The following is an entry in ClinVar:

ClinVar aggregate classification (germline): Likely benign (1 of 4 stars; one submission).

Allele frequency attached by ClinVar (database versions not stated): 1000 Genomes Project 0.00180.

Submission:

CeGaT Center for Human Genetics Tuebingen
Classification: Likely benign. Last evaluated: 2023-02-01. Review status: criteria provided, single submitter. Criteria: CeGaT Center For Human Genetics Tuebingen Variant Classification Criteria Version 2. Collection method: clinical testing. Allele origin: germline. Affected: yes. Observed: 2 variant alleles.
Comment: ZNF778: BS2

NM_001201407.2(ZNF778):c.*4843C>A

Gene: ZNF778 (zinc finger protein 778; plus strand). Cytogenetic location: 16q24.3.
Variant type: single nucleotide variant.
Coding change: c.*4843C>A on transcript NM_001201407.2 (MANE Select); 4843 bases downstream of the stop codon, C replaced by A.
Molecular consequence: 3 prime UTR variant. On other transcripts: non-coding transcript variant (1).
Genome position (GRCh38, 1-based): chr16:89,233,405, C>A. VCF-style: chr16-89233405-C-A. GRCh37 (hg19) VCF-style: chr16-89299813-C-A.
Other names: c.*4843C>A (NM_001378881.1, NM_182531.5).
Identifiers: ClinVar variation 2647054 (VCV002647054.24), dbSNP rs576319975, ClinGen allele CA8240831.